The following is an entry in ClinVar:

NM_002907.4(RECQL):c.152A>G (p.Glu51Gly)

Gene: RECQL (RecQ like helicase; minus strand). Cytogenetic location: 12p12.1.
Variant type: single nucleotide variant.
Coding change: c.152A>G on transcript NM_002907.4 (MANE Select); coding-DNA position 152, A replaced by G.
Protein change: p.Glu51Gly; replaces glutamic acid 51 with glycine.
Molecular consequence: missense variant.
Genome position (GRCh38, 1-based): chr12:21,491,581, T>C on the plus strand (A>G on the coding strand, the complement: RECQL is on the minus strand). VCF-style: chr12-21491581-T-C. GRCh37 (hg19) VCF-style: chr12-21644515-T-C.
Other names: c.152A>G, p.Glu51Gly (NM_032941.3); short protein forms E51G.
Identifiers: ClinVar variation 1051939 (VCV001051939.14), dbSNP rs767993044, ClinGen allele CA6479191.

ClinVar aggregate classification (germline): Uncertain significance. Review status: criteria provided, multiple submitters, no conflicts (2 of 4 stars). 3 submissions from 3 submitters: Uncertain significance (3). Last evaluated 2024-09-09.

Allele frequency attached by ClinVar (database versions not stated): gnomAD exomes below 0.00001; TOPMed below 0.00001; ExAC 0.00001; gnomAD 0.00001.
gnomAD v4.1: 7 of 1,613,754 alleles (0.00043%); highest among the groups gnomAD compares: Non-Finnish European, 0.00059%; no homozygotes.

Submissions (3):

Labcorp Genetics (formerly Invitae), Labcorp
Classification: Uncertain significance. Last evaluated: 2024-09-09. Review status: criteria provided, single submitter. Criteria: Invitae Variant Classification Sherloc (09022015). Collection method: clinical testing. Allele origin: germline.
Comment: This sequence change replaces glutamic acid, which is acidic and polar, with glycine, which is neutral and non-polar, at codon 51 of the RECQL protein (p.Glu51Gly). This variant is present in population databases (rs767993044, gnomAD 0.0009%). This variant has not been reported in the literature in individuals affected with RECQL-related conditions. ClinVar contains an entry for this variant (Variation ID: 1051939). An algorithm developed to predict the effect of missense changes on protein structure and function (PolyPhen-2) suggests that this variant is likely to be tolerated. Algorithms developed to predict the effect of sequence changes on RNA splicing suggest that this variant may disrupt the consensus splice site. In summary, the available evidence is currently insufficient to determine the role of this variant in disease. Therefore, it has been classified as a Variant of Uncertain Significance.

Ambry Genetics
Classification: Uncertain significance. Last evaluated: 2024-08-20. Review status: criteria provided, single submitter. Criteria: Ambry Variant Classification Scheme 2023. Collection method: clinical testing. Allele origin: germline.
Comment: The p.E51G variant (also known as c.152A>G), located in coding exon 2 of the RECQL gene, results from an A to G substitution at nucleotide position 152. The glutamic acid at codon 51 is replaced by glycine, an amino acid with similar properties. This amino acid position is conserved. In addition, this alteration is predicted to be tolerated by in silico analysis. Since supporting evidence is limited at this time, the clinical significance of this alteration remains unclear.

GeneDx
Classification: Uncertain significance. Last evaluated: 2022-11-04. Review status: criteria provided, single submitter. Criteria: GeneDx Variant Classification Process June 2021. Collection method: clinical testing. Allele origin: germline. Affected: yes.
Comment: Not observed at significant frequency in large population cohorts (gnomAD); In silico analysis supports that this missense variant has a deleterious effect on protein structure/function; Has not been previously published as pathogenic or benign to our knowledge